The following is an entry in ClinVar:

ClinVar aggregate classification (germline): Benign. Review status: criteria provided, multiple submitters, no conflicts (2 of 4 stars). 2 submissions from 2 submitters: Benign (2). Last evaluated 2018-06-16.

Allele frequency attached by ClinVar (database versions not stated): gnomAD 0.03653 and 0.03899; 1000 Genomes Project 0.04014; TOPMed 0.04098; 1000 Genomes Project 30x 0.04325.
gnomAD v4.1: 5,502 of 152,286 alleles (3.6%); highest among the groups gnomAD compares: African/African-American, 12%; 350 homozygotes.

Submissions (2):

GeneDx
Classification: Benign. Last evaluated: 2018-06-16. Review status: criteria provided, single submitter. Criteria: GeneDx Variant Classification (06012015). Collection method: clinical testing. Allele origin: germline. Affected: yes.
Comment: This variant is considered likely benign or benign based on one or more of the following criteria: it is a conservative change, it occurs at a poorly conserved position in the protein, it is predicted to be benign by multiple in silico algorithms, and/or has population frequency not consistent with disease.

Breakthrough Genomics
Classification: Benign. Review status: criteria provided, single submitter. Criteria: ACMG Guidelines, 2015. Collection method: not provided. Allele origin: germline. Inheritance: Autosomal dominant inheritance. Affected: yes.

NM_058246.4(DNAJB6):c.899-163C>T

Gene: DNAJB6 (DnaJ heat shock protein family (Hsp40) member B6; plus strand). Cytogenetic location: 7q36.3.
Variant type: single nucleotide variant.
Coding change: c.899-163C>T on transcript NM_058246.4 (MANE Select); 163 bases into the intron before coding-DNA position 899, C replaced by T.
Molecular consequence: intron variant.
Genome position (GRCh38, 1-based): chr7:157,415,853, C>T. VCF-style: chr7-157415853-C-T. GRCh37 (hg19) VCF-style: chr7-157208547-C-T.
Other names: c.554-163C>T (NM_001363676.1).
Identifiers: ClinVar variation 677715 (VCV000677715.2), dbSNP rs17837759, ClinGen allele CA169902106.